The following is an entry in ClinVar:

NM_178335.3(CCDC50):c.821G>A (p.Arg274Gln)

Gene: CCDC50 (coiled-coil domain containing 50; plus strand). Cytogenetic location: 3q28.
Variant type: single nucleotide variant.
Coding change: c.821G>A on transcript NM_178335.3 (MANE Select); coding-DNA position 821, G replaced by A.
Protein change: p.Arg274Gln; replaces arginine 274 with glutamine.
Molecular consequence: missense variant. On other transcripts: intron variant (1).
Genome position (GRCh38, 1-based): chr3:191,375,434, G>A. VCF-style: chr3-191375434-G-A. GRCh37 (hg19) VCF-style: chr3-191093223-G-A.
Other names: c.449-4725G>A (NM_174908.4); short protein forms R274Q.
Identifiers: ClinVar variation 226496 (VCV000226496.15), dbSNP rs199527848, ClinGen allele CA2755340.

ClinVar aggregate classification (germline): Benign/Likely benign. Review status: criteria provided, multiple submitters, no conflicts (2 of 4 stars). 3 submissions from 3 submitters: Benign (2); Likely benign (1). Last evaluated 2025-12-17.

Allele frequency attached by ClinVar (database versions not stated): gnomAD 0.00001 and 0.00031; gnomAD exomes 0.00073 and 0.00148; ExAC 0.00176; 1000 Genomes Project 30x 0.00297; 1000 Genomes Project 0.00300.
gnomAD v4.1: 1,120 of 1,613,722 alleles (0.069%); highest among the groups gnomAD compares: South Asian, 1.1%; 14 homozygotes.

Submissions (3):

Labcorp Genetics (formerly Invitae), Labcorp
Classification: Benign. Last evaluated: 2025-12-17. Review status: criteria provided, single submitter. Criteria: Invitae Variant Classification Sherloc (09022015). Collection method: clinical testing. Allele origin: germline.

GeneDx
Classification: Likely benign. Last evaluated: 2020-05-20. Review status: criteria provided, single submitter. Criteria: GeneDx Variant Classification Process June 2021. Collection method: clinical testing. Allele origin: germline. Affected: yes.

Laboratory for Molecular Medicine, Mass General Brigham Personalized Medicine
Classification: Benign. Last evaluated: 2015-06-16. Review status: criteria provided, single submitter. Criteria: LMM Criteria. Collection method: clinical testing. Allele origin: germline. Observed: 2 variant alleles.
Comment: p.Arg274Gln in exon 6 of CCDC50: This variant is not expected to have clinical s ignificance because it has been identified in 1.3% (210/16454) of South Asian ch romosomes by the Exome Aggregation Consortium (ExAC. org; dbSNP rs199527848).